The following is an entry in ClinVar:

ClinVar aggregate classification (germline): Pathogenic. Review status: criteria provided, multiple submitters, no conflicts (2 of 4 stars). 2 submissions from 2 submitters: Pathogenic (2). Last evaluated 2026-02-16.

Conditions:
Neuronal ceroid lipofuscinosis 2. Also called: JANSKY-BIELSCHOWSKY DISEASE NEURONAL CEROID LIPOFUSCINOSIS, LATE INFANTILE; TPP1-Related Neuronal Ceroid-Lipofuscinosis. Identifiers: Orphanet 168491, Orphanet 228349, Orphanet 79264, MedGen C1876161, MONDO:0008769, OMIM 204500.

Submissions (2):

Myriad Genetics, Inc.
Classification: Pathogenic for Neuronal ceroid lipofuscinosis 2. Last evaluated: 2026-02-16. Review status: criteria provided, single submitter. Criteria: Myriad Autosomal Dominant, Autosomal Recessive and X-Linked Classification Criteria (2023). Collection method: clinical testing. Allele origin: unknown.
Comment: NM_000391.3(TPP1):c.806_810del5(A269Dfs*2) is expected to be pathogenic in the context of TPP1-related neuronal ceroid lipofuscinosis. This variant is predicted to lead to an abnormal or absent protein product due to the creation of a premature termination codon in TPP1, a gene where loss-of-function variants are known to be pathogenic. Please note: this variant was assessed in the context of healthy population screening.

Labcorp Genetics (formerly Invitae), Labcorp
Classification: Pathogenic. Last evaluated: 2023-10-14. Review status: criteria provided, single submitter. Criteria: Invitae Variant Classification Sherloc (09022015). Collection method: clinical testing. Allele origin: germline.
Comment: This sequence change creates a premature translational stop signal (p.Ala269Aspfs*2) in the TPP1 gene. It is expected to result in an absent or disrupted protein product. Loss-of-function variants in TPP1 are known to be pathogenic (PMID: 10330339). This variant is not present in population databases (gnomAD no frequency). This variant has not been reported in the literature in individuals affected with TPP1-related conditions. Algorithms developed to predict the effect of sequence changes on RNA splicing suggest that this variant may disrupt the consensus splice site. For these reasons, this variant has been classified as Pathogenic.

Literature cited by the submitters: PubMed 10330339 (cited by Labcorp Genetics (formerly Invitae), Labcorp).

NM_000391.4(TPP1):c.806_810del (p.Ala269fs)

Gene: TPP1 (tripeptidyl peptidase 1; minus strand). Cytogenetic location: 11p15.4.
Variant type: Microsatellite.
Coding change: c.806_810del on transcript NM_000391.4 (MANE Select); coding-DNA positions 806 to 810, 5 bases deleted (CCGGG; older notation c.806_810delCCGGG).
Protein change: p.Ala269fs; shifts the reading frame from alanine 269.
Molecular consequence: frameshift variant.
Genome position (GRCh38, 1-based): chr11:6,616,737-6,616,741, CCCGG deleted on the plus strand (CCGGG on the coding strand, the reverse complement: TPP1 is on the minus strand); deleting any 5 consecutive bases within chr11:6,616,737-6,616,749 gives the same sequence; the c. name uses the placement nearest the transcript's 3' end. VCF-style (leftmost placement, unchanged base first): chr11-6616736-TCCCGG-T. GRCh37 (hg19) VCF-style: chr11-6637967-TCCCGG-T.
Other names: short protein forms A269fs.
Identifiers: ClinVar variation 2768253 (VCV002768253.4), dbSNP rs2493798861, ClinGen allele CA2697548403.